The following is an entry in ClinVar:

ClinVar aggregate classification (germline): Benign (1 of 4 stars; one submission).

Allele frequency attached by ClinVar (database versions not stated): 1000 Genomes Project 30x 0.00312; 1000 Genomes Project 0.00359; ESP Exome Variant Server 0.00469; TOPMed 0.00540; gnomAD 0.00837 and 0.00862; ExAC 0.00978.
gnomAD v4.1: 12,175 of 1,058,810 alleles (1.1%); highest among the groups gnomAD compares: Non-Finnish European, 1.2%; 121 homozygotes.

Submission:

CeGaT Center for Human Genetics Tuebingen
Classification: Benign. Last evaluated: 2026-08-01. Review status: criteria provided, single submitter. Criteria: CeGaT Center For Human Genetics Tuebingen Variant Classification Criteria Version 2. Collection method: clinical testing. Allele origin: germline. Affected: yes. Observed: 87 variant alleles.
Comment: PPP3CA: BS1, BS2

NM_000944.5(PPP3CA):c.*7C>A

Gene: PPP3CA (protein phosphatase 3 catalytic subunit alpha; minus strand). Cytogenetic location: 4q24.
Variant type: single nucleotide variant.
Coding change: c.*7C>A on transcript NM_000944.5 (MANE Select); 7 bases downstream of the stop codon, C replaced by A.
Molecular consequence: 3 prime UTR variant.
Genome position (GRCh38, 1-based): chr4:101,025,858, G>T on the plus strand (C>A on the coding strand, the complement: PPP3CA is on the minus strand). VCF-style: chr4-101025858-G-T. GRCh37 (hg19) VCF-style: chr4-101947015-G-T.
Other names: c.*7C>A (NM_001130691.2, NM_001130692.2).
Identifiers: ClinVar variation 1695101 (VCV001695101.31), dbSNP rs114065681, ClinGen allele CA3024214.